The following is an entry in ClinVar:

NM_139027.6(ADAMTS13):c.3695G>A (p.Ser1232Asn)

Gene: ADAMTS13 (ADAM metallopeptidase with thrombospondin type 1 motif 13; plus strand). Cytogenetic location: 9q34.2.
Variant type: single nucleotide variant.
Coding change: c.3695G>A on transcript NM_139027.6 (MANE Select); coding-DNA position 3695, G replaced by A.
Protein change: p.Ser1232Asn; replaces serine 1232 with asparagine.
Molecular consequence: missense variant. On other transcripts: non-coding transcript variant (1).
Genome position (GRCh38, 1-based): chr9:133,456,690, G>A. VCF-style: chr9-133456690-G-A. GRCh37 (hg19) VCF-style: chr9-136321812-G-A.
Other names: c.3863G>A, p.Ser1288Asn (NM_139025.5); c.3602G>A, p.Ser1201Asn (NM_139026.6); short protein forms S1232N, S1288N, S1201N.
Identifiers: ClinVar variation 3489121 (VCV003489121.4).

ClinVar aggregate classification (germline): Uncertain significance. Review status: criteria provided, multiple submitters, no conflicts (2 of 4 stars). 4 submissions from 4 submitters: Uncertain significance (4). Last evaluated 2026-09-01.

Conditions:
Inborn genetic diseases. Identifiers: MedGen C0950123, MeSH D030342.
Upshaw-Schulman syndrome (TTP). Also called: THROMBOTIC THROMBOCYTOPENIC PURPURA, HEREDITARY; Congenital thrombotic thrombocytopenic purpura. Identifiers: Orphanet 93583, MedGen C1268935, MONDO:0010122, OMIM 274150.

gnomAD v4.1: 196 of 1,580,308 alleles (0.012%); highest among the groups gnomAD compares: Non-Finnish European, 0.013%; no homozygotes.

Submissions (4):

CeGaT Center for Human Genetics Tuebingen
Classification: Uncertain significance. Last evaluated: 2026-09-01. Review status: criteria provided, single submitter. Criteria: CeGaT Center For Human Genetics Tuebingen Variant Classification Criteria Version 2. Collection method: clinical testing. Allele origin: germline. Affected: yes. Observed: 1 variant allele.
Comment: ADAMTS13: PM2

Labcorp Genetics (formerly Invitae), Labcorp
Classification: Uncertain significance. Last evaluated: 2025-12-22. Review status: criteria provided, single submitter. Criteria: Invitae Variant Classification Sherloc (09022015). Collection method: clinical testing. Allele origin: germline.
Comment: This sequence change replaces serine, which is neutral and polar, with asparagine, which is neutral and polar, at codon 1288 of the ADAMTS13 protein (p.Ser1288Asn). This variant is present in population databases (rs373393360, gnomAD 0.08%). This variant has not been reported in the literature in individuals affected with ADAMTS13-related conditions. ClinVar contains an entry for this variant (Variation ID: 3489121). An algorithm developed to predict the effect of missense changes on protein structure and function (PolyPhen-2) suggests that this variant is likely to be disruptive. In summary, the available evidence is currently insufficient to determine the role of this variant in disease. Therefore, it has been classified as a Variant of Uncertain Significance.

Ambry Genetics
Classification: Uncertain significance for Inborn genetic diseases. Last evaluated: 2024-09-11. Review status: criteria provided, single submitter. Criteria: Ambry Variant Classification Scheme 2023. Collection method: clinical testing. Allele origin: germline.

Fulgent Genetics
Classification: Uncertain significance for Upshaw-Schulman syndrome. Last evaluated: 2024-04-10. Review status: criteria provided, single submitter. Criteria: ACMG Guidelines, 2015. Collection method: clinical testing. Allele origin: germline.